The following is an entry in ClinVar:

ClinVar aggregate classification (germline): Uncertain significance (1 of 4 stars; one submission).

Allele frequency attached by ClinVar (database versions not stated): gnomAD 0.00001.
gnomAD v4.1: 3 of 1,614,030 alleles (0.00019%); highest among the groups gnomAD compares: Non-Finnish European, 0.00025%; no homozygotes.

Submission:

Labcorp Genetics (formerly Invitae), Labcorp
Classification: Uncertain significance. Last evaluated: 2022-07-30. Review status: criteria provided, single submitter. Criteria: Invitae Variant Classification Sherloc (09022015). Collection method: clinical testing. Allele origin: germline.
Comment: Algorithms developed to predict the effect of missense changes on protein structure and function (SIFT, PolyPhen-2, Align-GVGD) all suggest that this variant is likely to be tolerated. In summary, the available evidence is currently insufficient to determine the role of this variant in disease. Therefore, it has been classified as a Variant of Uncertain Significance. This variant has not been reported in the literature in individuals affected with ATF6-related conditions. This sequence change replaces threonine, which is neutral and polar, with isoleucine, which is neutral and non-polar, at codon 192 of the ATF6 protein (p.Thr192Ile). This variant is not present in population databases (gnomAD no frequency).

NM_007348.4(ATF6):c.575C>T (p.Thr192Ile)

Gene: ATF6 (activating transcription factor 6; plus strand). Cytogenetic location: 1q23.3.
Variant type: single nucleotide variant.
Coding change: c.575C>T on transcript NM_007348.4 (MANE Select); coding-DNA position 575, C replaced by T.
Protein change: p.Thr192Ile; replaces threonine 192 with isoleucine.
Molecular consequence: missense variant.
Genome position (GRCh38, 1-based): chr1:161,792,214, C>T. VCF-style: chr1-161792214-C-T. GRCh37 (hg19) VCF-style: chr1-161762004-C-T.
Other names: c.575C>T, p.Thr192Ile (NM_001410890.1); short protein forms T192I.
Identifiers: ClinVar variation 2002828 (VCV002002828.4), dbSNP rs771411815, ClinGen allele CA343386514.